The following is an entry in ClinVar:

ClinVar aggregate classification (germline): Likely pathogenic (1 of 4 stars; one submission).

Submission:

GeneDx
Classification: Likely pathogenic. Last evaluated: 2024-09-09. Review status: criteria provided, single submitter. Criteria: GeneDx Variant Classification Process June 2021. Collection method: clinical testing. Allele origin: germline. Affected: yes.
Comment: Has been reported in a patient with perimedullar subarachnoid hemorrhage and skin hemangioma in the published literature; however further clinical details nor segregation data were specified (PMID: 29171923); Frameshift variant predicted to result in protein truncation or nonsense mediated decay in a gene for which loss of function is a known mechanism of disease; Not observed at significant frequency in large population cohorts (gnomAD); This variant is associated with the following publications: (PMID: 29171923)

NM_002890.3(RASA1):c.261del (p.Gly89fs)

Gene: RASA1 (RAS p21 protein activator 1; plus strand). Cytogenetic location: 5q14.3.
Variant type: Deletion.
Coding change: c.261del on transcript NM_002890.3 (MANE Select); coding-DNA position 261, one base deleted (A; older notation c.261delA).
Protein change: p.Gly89fs; shifts the reading frame from glycine 89.
Molecular consequence: frameshift variant.
Genome position (GRCh38, 1-based): chr5:87,268,712, A deleted. VCF-style (leftmost placement, unchanged base first): chr5-87268711-CA-C. GRCh37 (hg19) VCF-style: chr5-86564528-CA-C.
Other names: short protein forms G89fs.
Identifiers: ClinVar variation 3767564 (VCV003767564.1).